The following is an entry in ClinVar:

ClinVar aggregate classification (germline): Uncertain significance (1 of 4 stars; one submission).

Submission:

GeneDx
Classification: Uncertain significance. Last evaluated: 2024-07-22. Review status: criteria provided, single submitter. Criteria: GeneDx Variant Classification Process June 2021. Collection method: clinical testing. Allele origin: germline. Affected: yes.
Comment: Not observed at significant frequency in large population cohorts (gnomAD); In silico analysis indicates that this missense variant does not alter protein structure/function; Has not been previously published as pathogenic or benign to our knowledge

NM_024665.7(TBL1XR1):c.451G>C (p.Val151Leu)

Gene: TBL1XR1 (TBL1X/Y related 1; minus strand). Cytogenetic location: 3q26.32.
Variant type: single nucleotide variant.
Coding change: c.451G>C on transcript NM_024665.7 (MANE Select); coding-DNA position 451, G replaced by C.
Protein change: p.Val151Leu; replaces valine 151 with leucine.
Molecular consequence: missense variant.
Genome position (GRCh38, 1-based): chr3:177,050,587, C>G on the plus strand (G>C on the coding strand, the complement: TBL1XR1 is on the minus strand). VCF-style: chr3-177050587-C-G. GRCh37 (hg19) VCF-style: chr3-176768375-C-G.
Other names: c.451G>C, p.Val151Leu (NM_001321193.3, NM_001321194.3, NM_001374327.1 and 2 more transcripts); c.190G>C, p.Val64Leu (NM_001321195.3, NM_001374330.1); short protein forms V151L, V64L.
Identifiers: ClinVar variation 3600838 (VCV003600838.1).